The following is an entry in ClinVar:

NM_002016.2(FLG):c.10492G>A (p.Gly3498Ser)

Genes: CCDST (cervical cancer associated DHX9 suppressive transcript; plus strand), FLG (filaggrin; minus strand). Cytogenetic location: 1q21.3.
Variant type: single nucleotide variant.
Coding change: c.10492G>A on transcript NM_002016.2 (MANE Select); coding-DNA position 10492, G replaced by A.
Protein change: p.Gly3498Ser; replaces glycine 3498 with serine.
Molecular consequence: missense variant.
Genome position (GRCh38, 1-based): chr1:152,304,394, C>T on the plus strand (G>A on the coding strand, the complement: FLG is on the minus strand). VCF-style: chr1-152304394-C-T. GRCh37 (hg19) VCF-style: chr1-152276870-C-T.
Other names: short protein forms G3498S.
Identifiers: ClinVar variation 2262401 (VCV002262401.12), dbSNP rs146680739, ClinGen allele CA1103324.

ClinVar aggregate classification (germline): Conflicting classifications of pathogenicity. Review status: criteria provided, conflicting classifications (1 of 4 stars). 3 submissions from 3 submitters: Uncertain significance (1); Likely benign (2). Last evaluated 2025-09-01.

Conditions:
Inborn genetic diseases. Identifiers: MedGen C0950123, MeSH D030342.

Allele frequency attached by ClinVar (database versions not stated): ESP Exome Variant Server 0.00069; TOPMed 0.00090; gnomAD 0.00104; 1000 Genomes Project 30x 0.00187; 1000 Genomes Project 0.00220.

Submissions (3):

CeGaT Center for Human Genetics Tuebingen
Classification: Likely benign. Last evaluated: 2025-09-01. Review status: criteria provided, single submitter. Criteria: CeGaT Center For Human Genetics Tuebingen Variant Classification Criteria Version 2. Collection method: clinical testing. Allele origin: germline. Affected: yes. Observed: 1 variant allele.
Comment: FLG: BP4, BS2

Ambry Genetics
Classification: Uncertain significance for Inborn genetic diseases. Last evaluated: 2024-09-20. Review status: criteria provided, single submitter. Criteria: Ambry Variant Classification Scheme 2023. Collection method: clinical testing. Allele origin: germline.

Blueprint Genetics
Classification: Likely benign. Last evaluated: 2023-12-05. Review status: criteria provided, single submitter. Criteria: ACMG Guidelines, 2015. Collection method: clinical testing. Allele origin: germline.